The following is an entry in ClinVar:

NM_020166.5(MCCC1):c.1682-3A>G

Gene: MCCC1 (methylcrotonyl-CoA carboxylase subunit 1; minus strand). Cytogenetic location: 3q27.1.
Variant type: single nucleotide variant.
Coding change: c.1682-3A>G on transcript NM_020166.5 (MANE Select); 3 bases into the intron before coding-DNA position 1682, A replaced by G.
Molecular consequence: intron variant.
Genome position (GRCh38, 1-based): chr3:183,025,807, T>C on the plus strand (A>G on the coding strand, the complement: MCCC1 is on the minus strand). VCF-style: chr3-183025807-T-C. GRCh37 (hg19) VCF-style: chr3-182743595-T-C.
Other names: c.1682-3A>G (NM_020166.4); c.1355-3A>G (NM_001363880.1); c.1331-3A>G (NM_001293273.2).
Identifiers: ClinVar variation 449385 (VCV000449385.6), dbSNP rs760180709, ClinGen allele CA2718692.

ClinVar aggregate classification (germline): Conflicting classifications of pathogenicity. Review status: criteria provided, conflicting classifications (1 of 4 stars). 5 submissions from 5 submitters: Pathogenic (1); Likely pathogenic (2); Uncertain significance (2). Last evaluated 2026-02-25.

Conditions:
3-methylcrotonyl-CoA carboxylase 1 deficiency (MCC1D). Also called: MCCD TYPE 1; METHYLCROTONYLGLYCINURIA TYPE I; MCC 1 deficiency; 3 Alpha methylcrotonylglycinuria 1. Identifiers: Orphanet 6, MedGen CN028786, MONDO:0008861, OMIM 210200.

Allele frequency attached by ClinVar (database versions not stated): gnomAD 0.00001; gnomAD exomes 0.00001; TOPMed 0.00001; ExAC 0.00002.
gnomAD v4.1: 9 of 1,612,484 alleles (0.00056%); highest among the groups gnomAD compares: Non-Finnish European, 0.00068%; no homozygotes.

Submissions (5):

Women's Health and Genetics/Laboratory Corporation of America, LabCorp
Classification: Uncertain significance. Last evaluated: 2026-02-25. Review status: criteria provided, single submitter. Criteria: LabCorp Variant Classification Summary - May 2015. Collection method: clinical testing. Allele origin: germline.
Comment: Variant summary: MCCC1 c.1682-3A>G alters a nucleotide located close to a canonical splice site and therefore could affect mRNA splicing, leading to a significantly altered protein sequence. Several computational tools predict a significant impact on normal splicing: Five predict the variant creates a 3' acceptor site. Three predict the variant abolishes a 3' acceptor site. One predict the variant weakens a 3' acceptor site. At least one publication reports that this variant affects mRNA splicing, however, without providing convincing experimental evidence (Dantas_2005). The variant allele was found at a frequency of 1.2e-05 in 250930 control chromosomes. c.1682-3A>G has been observed in an individual affected with Methylcrotonyl-CoA Carboxylase Deficiency (Dantas_2005). The following publication have been ascertained in the context of this evaluation (PMID: 16010683). ClinVar contains an entry for this variant (Variation ID: 449385). Based on the evidence outlined above, the variant was classified as uncertain significance.

Natera, Inc.
Classification: Likely pathogenic for 3-methylcrotonyl-CoA carboxylase 1 deficiency. Last evaluated: 2025-12-01. Review status: criteria provided, single submitter. Criteria: Natera Variant Classification Schema (03/2026). Collection method: clinical testing. Allele origin: germline.
Comment: The c.1682-3A>G variant in MCCC1 is an intronic variant located outside the canonical splice sites. This variant is rare in the general population with a frequency below the threshold expected for the associated phenotype(s). This variant has been observed in one or more individuals affected with the associated recessive disease, as either homozygous or compound heterozygous with a second variant (PMID: 16010683). Functional studies show that this variant may disrupt protein function (PMID: 16010683). Computational prediction algorithms indicate this variant is likely to affect gene or protein function. Given the available evidence, this variant is classified as Likely Pathogenic.

Baylor Genetics
Classification: Likely pathogenic for 3-methylcrotonyl-CoA carboxylase 1 deficiency. Last evaluated: 2023-01-24. Review status: criteria provided, single submitter. Criteria: ACMG Guidelines, 2015. Collection method: clinical testing. Allele origin: unknown.

Labcorp Genetics (formerly Invitae), Labcorp
Classification: Uncertain significance for 3-methylcrotonyl-CoA carboxylase 1 deficiency. Last evaluated: 2022-04-08. Review status: criteria provided, single submitter. Criteria: Invitae Variant Classification Sherloc (09022015). Collection method: clinical testing. Allele origin: germline.
Comment: This sequence change falls in intron 14 of the MCCC1 gene. It does not directly change the encoded amino acid sequence of the MCCC1 protein. It affects a nucleotide within the consensus splice site. This variant is present in population databases (rs760180709, gnomAD 0.003%). This variant has been observed in individual(s) with 3 methylcrotonyl-CoA carboxylase deficiency (PMID: 16010683). ClinVar contains an entry for this variant (Variation ID: 449385). Variants that disrupt the consensus splice site are a relatively common cause of aberrant splicing (PMID: 17576681, 9536098). Algorithms developed to predict the effect of sequence changes on RNA splicing suggest that this variant may disrupt the consensus splice site. In summary, the available evidence is currently insufficient to determine the role of this variant in disease. Therefore, it has been classified as a Variant of Uncertain Significance.

GeneDx
Classification: Pathogenic. Last evaluated: 2016-07-29. Review status: criteria provided, single submitter. Criteria: GeneDx Variant Classification (06012015). Collection method: clinical testing. Allele origin: germline. Affected: yes.
Comment: The c.1682-3 A>G splice site variant in the MCCC1 gene has been previously reported in association with mild 3-methylcrotonyl-CoA carboxylase (3-MCC) deficiency in an individual who was heterozygous for c.1682-3 A>G and a frame shift variant in the MCCC1 gene (Dantas et al., 2005). Functional analysis of c.1682-3 A>G found that it results in abnormal splicing (Dantas et al., 2005). Therefore, we interpret c.1682-3 A>G to be a pathogenic variant.

Literature cited by the submitters: PubMed 16010683 (cited by 3 submitters); PubMed 17576681 (cited by Labcorp Genetics (formerly Invitae), Labcorp); PubMed 9536098 (cited by Labcorp Genetics (formerly Invitae), Labcorp).